The following is an entry in ClinVar:

ClinVar aggregate classification (germline): Uncertain significance. Review status: criteria provided, multiple submitters, no conflicts (2 of 4 stars). 2 submissions from 2 submitters: Uncertain significance (2). Last evaluated 2025-12-10.

Conditions:
Hereditary nonpolyposis colorectal neoplasms. Identifiers: MedGen C0009405, MeSH D003123.
Hereditary cancer-predisposing syndrome. Also called: Tumor predisposition; Hereditary Cancer Syndrome; Hereditary neoplastic syndrome; Neoplastic Syndromes, Hereditary. Identifiers: Orphanet 140162, MedGen C0027672, MeSH D009386, MONDO:0015356.

Submissions (2):

Ambry Genetics
Classification: Uncertain significance for Hereditary cancer-predisposing syndrome. Last evaluated: 2025-12-10. Review status: criteria provided, single submitter. Criteria: Ambry Variant Classification Scheme 2023. Collection method: clinical testing. Allele origin: germline.
Comment: The p.P202R variant (also known as c.605C>G), located in coding exon 3 of the MSH6 gene, results from a C to G substitution at nucleotide position 605. The proline at codon 202 is replaced by arginine, an amino acid with dissimilar properties. This amino acid position is not well conserved in available vertebrate species. In addition, this alteration is predicted to be tolerated by in silico analysis. Based on the available evidence, the clinical significance of this variant remains unclear.

Labcorp Genetics (formerly Invitae), Labcorp
Classification: Uncertain significance for Hereditary nonpolyposis colorectal neoplasms. Last evaluated: 2020-02-10. Review status: criteria provided, single submitter. Criteria: Invitae Variant Classification Sherloc (09022015). Collection method: clinical testing. Allele origin: germline.
Comment: In summary, this variant is a novel missense change that is not predicted to affect protein function. There is no indication that it causes disease, but the available evidence is currently insufficient to prove that conclusively. Therefore, it has been classified as a Variant of Uncertain Significance. Algorithms developed to predict the effect of missense changes on protein structure and function (SIFT, PolyPhen-2, Align-GVGD) all suggest that this variant is likely to be tolerated, but these predictions have not been confirmed by published functional studies. This variant is not present in population databases (ExAC no frequency) and has not been reported in the literature in individuals with a MSH6-related disease. This sequence change replaces proline with arginine at codon 202 of the MSH6 protein (p.Pro202Arg). The proline residue is weakly conserved and there is a moderate physicochemical difference between proline and arginine.

NM_000179.3(MSH6):c.605C>G (p.Pro202Arg)

Gene: MSH6 (mutS homolog 6; plus strand). Cytogenetic location: 2p16.3.
Variant type: single nucleotide variant.
Coding change: c.605C>G on transcript NM_000179.3 (MANE Select); coding-DNA position 605, C replaced by G.
Protein change: p.Pro202Arg; replaces proline 202 with arginine.
Molecular consequence: missense variant. On other transcripts: 5 prime UTR variant (1), intron variant (2).
Genome position (GRCh38, 1-based): chr2:47,796,041, C>G. VCF-style: chr2-47796041-C-G. GRCh37 (hg19) VCF-style: chr2-48023180-C-G.
Other names: c.-298C>G (NM_001281494.2); c.-279-2570C>G (NM_001281493.2); c.238-2570C>G (NM_001281492.2); short protein forms P202R.
Identifiers: ClinVar variation 410504 (VCV000410504.13), dbSNP rs367644746, ClinGen allele CA16610920.